The following is an entry in ClinVar:

ClinVar aggregate classification (germline): Uncertain significance (1 of 4 stars; one submission).

Conditions:
Snijders Blok-Campeau syndrome. Also called: INTELLECTUAL DEVELOPMENTAL DISORDER WITH MACROCEPHALY, SPEECH DELAY, AND DYSMORPHIC FACIES. Identifiers: Orphanet 599082, MedGen C4748701, MONDO:0032600, OMIM 618205.

Submission:

3billion
Classification: Uncertain significance for Snijders Blok-Campeau syndrome. Last evaluated: 2022-01-03. Review status: criteria provided, single submitter. Criteria: ACMG Guidelines, 2015. Collection method: clinical testing. Allele origin: germline. Affected: yes. Observed: 1 heterozygote.
Comment: The variant not observed in the gnomAD v2.1.1 dataset (PM2_M). In silico tool predictions suggest damaging effect of the variant on gene or gene product (REVEL: 0.877, PP3_P). A missense variant is a common mechanism associated with Snijders Blok-Campeau syndrome (PP2_P). Therefore, this variant is classified as uncertain significance according to the recommendation of ACMG/AMP guideline.

NM_001005273.3(CHD3):c.5306T>C (p.Phe1769Ser)

Gene: CHD3 (chromodomain helicase DNA binding protein 3; plus strand). Cytogenetic location: 17p13.1.
Variant type: single nucleotide variant.
Coding change: c.5306T>C on transcript NM_001005273.3 (MANE Select); coding-DNA position 5306, T replaced by C.
Protein change: p.Phe1769Ser; replaces phenylalanine 1769 with serine.
Molecular consequence: missense variant.
Genome position (GRCh38, 1-based): chr17:7,908,741, T>C. VCF-style: chr17-7908741-T-C. GRCh37 (hg19) VCF-style: chr17-7812059-T-C.
Other names: c.5483T>C, p.Phe1828Ser (NM_001005271.3); c.5204T>C, p.Phe1735Ser (NM_005852.4); short protein forms F1735S, F1769S, F1828S.
Identifiers: ClinVar variation 1333403 (VCV001333403.1), dbSNP rs2151661305, ClinGen allele CA397949397.